The following is an entry in ClinVar:

NM_000091.5(COL4A3):c.4270G>T (p.Gly1424Ter)

Genes: COL4A3 (collagen type IV alpha 3 chain; plus strand), MFF-DT (MFF divergent transcript; minus strand). Cytogenetic location: 2q36.3.
Variant type: single nucleotide variant.
Coding change: c.4270G>T on transcript NM_000091.5 (MANE Select); coding-DNA position 4270, G replaced by T.
Protein change: p.Gly1424Ter; replaces glycine 1424 with a stop codon.
Molecular consequence: nonsense.
Genome position (GRCh38, 1-based): chr2:227,307,727, G>T. VCF-style: chr2-227307727-G-T. GRCh37 (hg19) VCF-style: chr2-228172443-G-T.
Other names: short protein forms G1424*.
Identifiers: ClinVar variation 983881 (VCV000983881.3), dbSNP rs2073567181, ClinGen allele CA350864139.

ClinVar aggregate classification (germline): Likely pathogenic (1 of 4 stars; one submission).

Conditions:
Autosomal recessive Alport syndrome (ATS2). Also called: ALPORT SYNDROME 2, AUTOSOMAL RECESSIVE; Alport syndrome type 2; COL4A4 Alport Syndrome and Thin Basement Membrane Nephropathy; COL4A3-Related Nephropathy. Identifiers: Orphanet 63, Orphanet 88919, MedGen C4746745, MONDO:0008762, OMIM 203780.

Submission:

Myriad Genetics, Inc.
Classification: Likely pathogenic for Autosomal recessive Alport syndrome. Last evaluated: 2019-12-28. Review status: criteria provided, single submitter. Criteria: Myriad Women's Health Autosomal Recessive and X-Linked Classification Criteria (2019). Collection method: clinical testing. Allele origin: unknown.
Comment: NM_000091.4(COL4A3):c.4270G>T(G1424*) is expected to be pathogenic in the context of COL4A3-related Alport syndrome. This variant is predicted to lead to an abnormal or absent protein product due to the creation of a premature termination codon in COL4A3, a gene where loss-of-function variants are known to be pathogenic. Please note: this variant was assessed in the context of healthy population screening.